The following is an entry in ClinVar:

ClinVar aggregate classification (germline): Conflicting classifications of pathogenicity. Review status: criteria provided, conflicting classifications (1 of 4 stars). 2 submissions from 2 submitters: Uncertain significance (1); Likely benign (1). Last evaluated 2025-04-08.

Conditions:
Catecholaminergic polymorphic ventricular tachycardia (CVPT). Also called: Catecholamine-induced polymorphic ventricular tachycardia. Identifiers: Orphanet 3286, MedGen C5574922, MONDO:0017990.
Catecholaminergic polymorphic ventricular tachycardia 1. Also called: VENTRICULAR TACHYCARDIA, STRESS-INDUCED POLYMORPHIC 1; VENTRICULAR TACHYCARDIA, CATECHOLAMINERGIC POLYMORPHIC, 1, WITH OR WITHOUT ATRIAL DYSFUNCTION AND/OR DILATED CARDIOMYOPATHY; RYR2-Related Catecholaminergic Polymorphic Ventricular Tachycardia. Identifiers: Orphanet 3286, MedGen C1631597, MONDO:0011484, OMIM 604772.

Submissions (2):

Labcorp Genetics (formerly Invitae), Labcorp
Classification: Likely benign for Catecholaminergic polymorphic ventricular tachycardia 1. Last evaluated: 2025-04-08. Review status: criteria provided, single submitter. Criteria: Invitae Variant Classification Sherloc (09022015). Collection method: clinical testing. Allele origin: germline.

All of Us Research Program, National Institutes of Health
Classification: Uncertain significance for Catecholaminergic polymorphic ventricular tachycardia. Last evaluated: 2023-04-03. Review status: criteria provided, single submitter. Criteria: ACMG Guidelines, 2015. Collection method: clinical testing. Allele origin: germline. Inheritance: Autosomal dominant inheritance. Observed: 1 variant allele, 1 heterozygote.
Comment: This study involves interpretation of variants in research participants for the purpose of population health screening. Participant phenotype was not available at the time of variant classification. Additional details can be found in publication PMID: 35346344, PMCID: PMC8962531

NM_001035.3(RYR2):c.13260+3_13260+6dup

Genes: RYR2 (ryanodine receptor 2; plus strand), LOC126806068 (BRD4-independent group 4 enhancer GRCh37_chr1:237947411-237948610; plus strand). Cytogenetic location: 1q43.
Variant type: Duplication.
Coding change: c.13260+3_13260+6dup on transcript NM_001035.3 (MANE Select); bases 3 to 6 of the intron after coding-DNA position 13260, 4 bases duplicated (AATT; older notation c.13260+3_13260+6dupAATT).
Molecular consequence: splice donor variant.
Genome position (GRCh38, 1-based): chr1:237,784,975-237,784,978, AATT duplicated; duplicating any 4 consecutive bases within chr1:237,784,974-237,784,978 gives the same sequence; the c. name uses the placement nearest the transcript's 3' end. VCF-style (leftmost placement, unchanged base first): chr1-237784973-G-GTAAT. GRCh37 (hg19) VCF-style: chr1-237948273-G-GTAAT.
Other names: c.13260+3_13260+6dupAATT (NM_001035.2).
Identifiers: ClinVar variation 463562 (VCV000463562.11), dbSNP rs1553323690, ClinGen allele CA658655637.